The following is an entry in ClinVar:

NC_000017.10:g.(?_80710070)_(80724264_?)del

Gene: TBCD (tubulin folding cofactor D). Cytogenetic location: 17q25.3.
Variant type: Deletion.
Identifiers: ClinVar variation 1459481 (VCV001459481.4).

ClinVar aggregate classification (germline): Pathogenic (1 of 4 stars; one submission).

Submission:

Labcorp Genetics (formerly Invitae), Labcorp
Classification: Pathogenic. Last evaluated: 2021-10-17. Review status: criteria provided, single submitter. Criteria: Invitae Variant Classification Sherloc (09022015). Collection method: clinical testing. Allele origin: germline.
Comment: For these reasons, this variant has been classified as Pathogenic. This variant has not been reported in the literature in individuals affected with TBCD-related conditions. This variant is a gross deletion of the genomic region encompassing exon(s) 1-4 of the TBCD gene, which includes the initiator codon. This deletion extends beyond the assayed region for this gene and therefore may encompass additional genes. It is expected to result in an absent or disrupted protein product. Loss-of-function variants in TBCD are known to be pathogenic (PMID: 27666370, 27666374).

Literature cited by the submitters: PubMed 27666370; PubMed 27666374.